The following is an entry in ClinVar:

NM_001370658.1(BTD):c.446del (p.Leu149fs)

Gene: BTD (biotinidase; plus strand). Cytogenetic location: 3p25.1.
Variant type: Deletion.
Coding change: c.446del on transcript NM_001370658.1 (MANE Select); coding-DNA position 446, one base deleted (T; older notation c.446delT).
Protein change: p.Leu149fs; shifts the reading frame from leucine 149.
Molecular consequence: frameshift variant. On other transcripts: intron variant (6).
Genome position (GRCh38, 1-based): chr3:15,644,362, T deleted; the last of 2 consecutive T bases (chr3:15,644,361-15,644,362); deleting either gives the same sequence. VCF-style (leftmost placement, unchanged base first): chr3-15644360-CT-C. GRCh37 (hg19) VCF-style: chr3-15685867-CT-C.
Other names: c.446del, p.Leu149fs (NM_001281723.4, NM_001281724.3, NM_001281725.3 and 18 more transcripts); c.399+2305del (NM_001370753.1, NM_001407400.1, NM_001407401.1 and 3 more transcripts); short protein forms L149fs.
Identifiers: ClinVar variation 5006572 (VCV005006572.2).

ClinVar aggregate classification (germline): Likely pathogenic (1 of 4 stars; one submission).

Conditions:
Biotinidase deficiency. Also called: BTD deficiency; Late-onset biotin-responsive multiple carboxylase deficiency; Biotin deficiency. Identifiers: Orphanet 79241, MedGen C0220754, MONDO:0009665, OMIM 253260.

Submission:

Juno Genomics, Hangzhou Juno Genomics, Inc
Classification: Likely pathogenic for Biotinidase deficiency. Review status: criteria provided, single submitter. Criteria: ACMG Guidelines, 2015. Collection method: clinical testing. Allele origin: germline.
Comment: Null variant in a gene where loss of function (LOF) is a known mechanism of disease.;Absent from controls (or at extremely low frequency if recessive) in Genome Aggregation Database.